The following is an entry in ClinVar:

NM_001126108.2(SLC12A3):c.403C>G (p.Arg135Gly)

Gene: SLC12A3 (solute carrier family 12 member 3; plus strand). Cytogenetic location: 16q13.
Variant type: single nucleotide variant.
Coding change: c.403C>G on transcript NM_001126108.2 (MANE Select); coding-DNA position 403, C replaced by G.
Protein change: p.Arg135Gly; replaces arginine 135 with glycine.
Molecular consequence: missense variant.
Genome position (GRCh38, 1-based): chr16:56,867,190, C>G. VCF-style: chr16-56867190-C-G. GRCh37 (hg19) VCF-style: chr16-56901102-C-G.
Other names: c.400C>G, p.Arg134Gly (NM_001410896.1, NM_001126107.2); c.403C>G, p.Arg135Gly (NM_000339.3); short protein forms R135G, R134G.
Identifiers: ClinVar variation 2892089 (VCV002892089.3), dbSNP rs749742102, ClinGen allele CA395979096.
Genomic context (GRCh38, chr16:56,867,190, plus strand): 5'-GATGGGCTGGTGGAGGGCGAGGCAGGCACCAGCAGCGAGAAGAACCCCGAGGAGCCAGTG[C>G]GCTTCGGCTGGGTCAAGGGGGTGATGGTGAGTGGGGTGTGGGTGGTGCGTGATGTCCAGA-3'
Protein context (NP_001119580.2, residues 125-145): SSEKNPEEPV[Arg135Gly]FGWVKGVMIR

ClinVar aggregate classification (germline): Likely pathogenic (1 of 4 stars; one submission).

gnomAD v4.1: 1 of 1,612,704 alleles (0.000062%); no homozygotes.

Submission:

Labcorp Genetics (formerly Invitae), Labcorp
Classification: Likely pathogenic. Last evaluated: 2023-06-04. Review status: criteria provided, single submitter. Criteria: Invitae Variant Classification Sherloc (09022015). Collection method: clinical testing. Allele origin: germline.
Comment: This variant has not been reported in the literature in individuals affected with SLC12A3-related conditions. In summary, the currently available evidence indicates that the variant is pathogenic, but additional data are needed to prove that conclusively. Therefore, this variant has been classified as Likely Pathogenic. This variant disrupts the p.Arg135 amino acid residue in SLC12A3. Other variant(s) that disrupt this residue have been determined to be pathogenic (PMID: 21415153, 31672324). This suggests that this residue is clinically significant, and that variants that disrupt this residue are likely to be disease-causing. Advanced modeling of protein sequence and biophysical properties (such as structural, functional, and spatial information, amino acid conservation, physicochemical variation, residue mobility, and thermodynamic stability) performed at Invitae indicates that this missense variant is expected to disrupt SLC12A3 protein function. This variant is not present in population databases (gnomAD no frequency). This sequence change replaces arginine, which is basic and polar, with glycine, which is neutral and non-polar, at codon 135 of the SLC12A3 protein (p.Arg135Gly).

Literature cited by the submitters: PubMed 21415153; PubMed 31672324.